The following is an entry in ClinVar:

NM_005751.5(AKAP9):c.284A>G (p.His95Arg)

Gene: AKAP9 (A-kinase anchoring protein 9; plus strand). Cytogenetic location: 7q21.2.
Variant type: single nucleotide variant.
Coding change: c.284A>G on transcript NM_005751.5 (MANE Select); coding-DNA position 284, A replaced by G.
Protein change: p.His95Arg; replaces histidine 95 with arginine.
Molecular consequence: missense variant.
Genome position (GRCh38, 1-based): chr7:91,973,946, A>G. VCF-style: chr7-91973946-A-G. GRCh37 (hg19) VCF-style: chr7-91603260-A-G.
Other names: c.284A>G, p.His95Arg (NM_147185.3); short protein forms H95R.
Identifiers: ClinVar variation 3225032 (VCV003225032.1), dbSNP rs2484599325, ClinGen allele CA368118872.

ClinVar aggregate classification (germline): Uncertain significance (1 of 4 stars; one submission).

Conditions:
Cardiovascular phenotype. Identifiers: MedGen CN230736.

Submission:

Ambry Genetics
Classification: Uncertain significance for Cardiovascular phenotype. Last evaluated: 2024-02-22. Review status: criteria provided, single submitter. Criteria: Ambry Variant Classification Scheme 2023. Collection method: clinical testing. Allele origin: germline.
Comment: The p.H95R variant (also known as c.284A>G), located in coding exon 2 of the AKAP9 gene, results from an A to G substitution at nucleotide position 284. The histidine at codon 95 is replaced by arginine, an amino acid with highly similar properties. This amino acid position is conserved. In addition, this alteration is predicted to be tolerated by in silico analysis. Based on the available evidence, the clinical significance of this alteration remains unclear.